The following is an entry in ClinVar:

NM_000059.4(BRCA2):c.4987G>A (p.Val1663Ile)

Gene: BRCA2 (BRCA2 DNA repair associated; plus strand). Cytogenetic location: 13q13.1.
Variant type: single nucleotide variant.
Coding change: c.4987G>A on transcript NM_000059.4 (MANE Select); coding-DNA position 4987, G replaced by A.
Protein change: p.Val1663Ile; replaces valine 1663 with isoleucine.
Molecular consequence: missense variant.
Genome position (GRCh38, 1-based): chr13:32,339,342, G>A. VCF-style: chr13-32339342-G-A. GRCh37 (hg19) VCF-style: chr13-32913479-G-A.
Other names: short protein forms V1663I.
Identifiers: ClinVar variation 481596 (VCV000481596.23), dbSNP rs587781763, ClinGen allele CA387783882.

ClinVar aggregate classification (germline): Conflicting classifications of pathogenicity. Review status: criteria provided, conflicting classifications (1 of 4 stars). 6 submissions from 6 submitters: Uncertain significance (5); Likely benign (1). Last evaluated 2024-06-24.

Conditions:
Hereditary cancer-predisposing syndrome. Also called: Hereditary neoplastic syndrome; Neoplastic Syndromes, Hereditary; Tumor predisposition; Hereditary Cancer Syndrome. Identifiers: Orphanet 140162, MedGen C0027672, MeSH D009386, MONDO:0015356.
Hereditary breast ovarian cancer syndrome. Also called: Hereditary breast and ovarian cancer syndrome (HBOC); Breast and ovarian cancer; Hereditary breast and ovarian cancer syndrome; Hereditary breast and ovarian cancer; Hereditary breast and/or ovarian cancer syndrome; BRCA1- and BRCA2-Associated Hereditary Breast and Ovarian Cancer. Identifiers: Orphanet 145, MedGen C0677776, MeSH D061325, MONDO:0003582. Disease mechanism: loss of function.
Breast-ovarian cancer, familial, susceptibility to, 2 (BROVCA2). Also called: BRCA2 Hereditary Breast and Ovarian Cancer. Identifiers: Orphanet 145, MedGen C2675520, MONDO:0012933, OMIM 612555. Disease mechanism: loss of function.

gnomAD v4.1: 1 of 1,590,742 alleles (0.000063%); highest among the groups gnomAD compares: African/African-American, 0.0014%; no homozygotes.

Submissions (6):

Color Diagnostics, LLC DBA Color Health
Classification: Uncertain significance for Hereditary cancer-predisposing syndrome. Last evaluated: 2024-06-24. Review status: criteria provided, single submitter. Criteria: ACMG Guidelines, 2015. Collection method: clinical testing. Allele origin: germline.
Comment: This missense variant replaces valine with isoleucine at codon 1663 of the BRCA2 protein. Computational prediction suggests that this variant may not impact protein structure and function (internally defined REVEL score threshold <= 0.5, PMID: 27666373). To our knowledge, functional studies have not been reported for this variant. This variant has not been reported in individuals affected with BRCA2-related disorders in the literature. This variant has not been identified in the general population by the Genome Aggregation Database (gnomAD). The available evidence is insufficient to determine the role of this variant in disease conclusively. Therefore, this variant is classified as a Variant of Uncertain Significance.

Women's Health and Genetics/Laboratory Corporation of America, LabCorp
Classification: Uncertain significance. Last evaluated: 2023-07-17. Review status: criteria provided, single submitter. Criteria: LabCorp Variant Classification Summary - May 2015. Collection method: clinical testing. Allele origin: germline.

Labcorp Genetics (formerly Invitae), Labcorp
Classification: Uncertain significance for Hereditary breast ovarian cancer syndrome. Last evaluated: 2023-06-15. Review status: criteria provided, single submitter. Criteria: Invitae Variant Classification Sherloc (09022015). Collection method: clinical testing. Allele origin: germline.
Comment: In summary, the available evidence is currently insufficient to determine the role of this variant in disease. Therefore, it has been classified as a Variant of Uncertain Significance. Advanced modeling of protein sequence and biophysical properties (such as structural, functional, and spatial information, amino acid conservation, physicochemical variation, residue mobility, and thermodynamic stability) performed at Invitae indicates that this missense variant is not expected to disrupt BRCA2 protein function. ClinVar contains an entry for this variant (Variation ID: 481596). This variant has not been reported in the literature in individuals affected with BRCA2-related conditions. This variant is not present in population databases (gnomAD no frequency). This sequence change replaces valine, which is neutral and non-polar, with isoleucine, which is neutral and non-polar, at codon 1663 of the BRCA2 protein (p.Val1663Ile).

KCCC/NGS Laboratory, Kuwait Cancer Control Center
Classification: Uncertain significance for Breast-ovarian cancer, familial, susceptibility to, 2. Last evaluated: 2023-06-06. Review status: criteria provided, single submitter. Criteria: ACMG Guidelines, 2015. Collection method: clinical testing. Allele origin: germline. Affected: yes.
Comment: This sequence change replaces valine with isoleucine at codon 1663 of the BRCA2 protein (p.Val1663Ile). This variant is not present in population databases (ExAC no frequency). This variant has not been reported in the literature in individuals with BRCA2-related disease. ClinVar contains an entry for this variant (Variation ID: 481596) with 3 submissions, all of which describe it as of uncertain significance, two stars, no conflicts. In-silico predictions show benign computational verdict based on 7 benign predictions from BayesDel_addAF, DANN, EIGEN, FATHMM-MKL, MVP, MutationTaster and PrimateAI vs 2 pathogenic predictions from M-CAP and SIFT and the position is not strongly conserved. These predictions, however, have not been confirmed by published functional studies and their clinical significance is uncertain. Therefore, it has been classified as a Variant of Uncertain Significance. .

Ambry Genetics
Classification: Uncertain significance for Hereditary cancer-predisposing syndrome. Last evaluated: 2023-03-30. Review status: criteria provided, single submitter. Criteria: Ambry Variant Classification Scheme 2023. Collection method: clinical testing. Allele origin: germline.
Comment: The p.V1663I variant (also known as c.4987G>A), located in coding exon 10 of the BRCA2 gene, results from a G to A substitution at nucleotide position 4987. The valine at codon 1663 is replaced by isoleucine, an amino acid with highly similar properties. This amino acid position is not well conserved in available vertebrate species. In addition, this alteration is predicted to be tolerated by in silico analysis. Since supporting evidence is limited at this time, the clinical significance of this alteration remains unclear.

University of Washington Department of Laboratory Medicine, University of Washington
Classification: Likely benign for Hereditary cancer-predisposing syndrome. Last evaluated: 2023-03-23. Review status: criteria provided, single submitter. Criteria: Dines et al. (Genet Med. 2020). Collection method: curation. Allele origin: germline.
Comment: Missense variant in a coldspot region where missense variants are very unlikely to be pathogenic (PMID:31911673).

BRCA2 exon 11 coldspot. Reclassification based on statistical prior probability.